The following is an entry in ClinVar:

NM_052845.4(MMAB):c.339G>C (p.Glu113Asp)

Gene: MMAB (metabolism of cobalamin associated B; minus strand). Cytogenetic location: 12q24.11.
Variant type: single nucleotide variant.
Coding change: c.339G>C on transcript NM_052845.4 (MANE Select); coding-DNA position 339, G replaced by C.
Protein change: p.Glu113Asp; replaces glutamic acid 113 with aspartic acid.
Molecular consequence: missense variant. On other transcripts: non-coding transcript variant (1).
Genome position (GRCh38, 1-based): chr12:109,565,128, C>G on the plus strand (G>C on the coding strand, the complement: MMAB is on the minus strand). VCF-style: chr12-109565128-C-G. GRCh37 (hg19) VCF-style: chr12-110002933-C-G.
Other names: short protein forms E113D.
Identifiers: ClinVar variation 1053807 (VCV001053807.7), dbSNP rs2136203868, ClinGen allele CA386638589.

ClinVar aggregate classification (germline): Uncertain significance (1 of 4 stars; one submission).

Conditions:
Methylmalonic aciduria, cblB type (MACB). Also called: Vitamin B12-responsive methylmalonic acidemia type cblB; Methylmalonic acidemia cblB type; METHYLMALONIC ACIDURIA, VITAMIN B12-RESPONSIVE, DUE TO DEFECT IN SYNTHESIS OF ADENOSYLCOBALAMIN, cblB TYPE. Identifiers: Orphanet 28, Orphanet 79311, MedGen C1855102, MONDO:0009614, OMIM 251110.

Allele frequency attached by ClinVar (database versions not stated): gnomAD exomes below 0.00001.

Submission:

Labcorp Genetics (formerly Invitae), Labcorp
Classification: Uncertain significance for Methylmalonic aciduria, cblB type. Last evaluated: 2022-02-10. Review status: criteria provided, single submitter. Criteria: Invitae Variant Classification Sherloc (09022015). Collection method: clinical testing. Allele origin: germline.
Comment: In summary, the available evidence is currently insufficient to determine the role of this variant in disease. Therefore, it has been classified as a Variant of Uncertain Significance. Advanced modeling of protein sequence and biophysical properties (such as structural, functional, and spatial information, amino acid conservation, physicochemical variation, residue mobility, and thermodynamic stability) performed at Invitae indicates that this missense variant is not expected to disrupt MMAB protein function. ClinVar contains an entry for this variant (Variation ID: 1053807). This variant has not been reported in the literature in individuals affected with MMAB-related conditions. This variant is not present in population databases (gnomAD no frequency). This sequence change replaces glutamic acid, which is acidic and polar, with aspartic acid, which is acidic and polar, at codon 113 of the MMAB protein (p.Glu113Asp).